The following is an entry in ClinVar:

ClinVar aggregate classification (germline): Likely pathogenic (1 of 4 stars; one submission).

Submission:

Labcorp Genetics (formerly Invitae), Labcorp
Classification: Likely pathogenic. Last evaluated: 2019-11-14. Review status: criteria provided, single submitter. Criteria: Invitae Variant Classification Sherloc (09022015). Collection method: clinical testing. Allele origin: germline.
Comment: This variant has been observed in individual(s) with early-onset parkinsonism (Invitae). In summary, the currently available evidence indicates that the variant is pathogenic, but additional data are needed to prove that conclusively. Therefore, this variant has been classified as Likely Pathogenic. Loss-of-function variants in PRKN are known to be pathogenic (PMID: 10072423, 20301651, 22956510). This variant results in a copy number gain of the genomic region encompassing exons 5-7 of the PRKN gene. While the exact position of this variant cannot be determined from this data, sub-genic copy number gains are generally in tandem (PMID: 25640679) and may result in an absent or disrupted protein product.

Literature cited by the submitters: PubMed 10072423; PubMed 20301651; PubMed 22956510; PubMed 25640679.

NC_000006.12:g.(?_161785762)_(162054184_?)dup

Gene: PRKN (parkin RBR E3 ubiquitin protein ligase; minus strand). Cytogenetic location: 6q26.
Variant type: Duplication.
Identifiers: ClinVar variation 832214 (VCV000832214.7).